The following is an entry in ClinVar:

NM_000138.5(FBN1):c.1229C>T (p.Pro410Leu)

Gene: FBN1 (fibrillin 1; minus strand). Cytogenetic location: 15q21.1.
Variant type: single nucleotide variant.
Coding change: c.1229C>T on transcript NM_000138.5 (MANE Select); coding-DNA position 1229, C replaced by T.
Protein change: p.Pro410Leu; replaces proline 410 with leucine.
Molecular consequence: missense variant.
Genome position (GRCh38, 1-based): chr15:48,516,281, G>A on the plus strand (C>T on the coding strand, the complement: FBN1 is on the minus strand). VCF-style: chr15-48516281-G-A. GRCh37 (hg19) VCF-style: chr15-48808478-G-A.
Other names: c.1229C>T, p.Pro410Leu (NM_001406716.1); short protein forms P410L.
Identifiers: ClinVar variation 3386856 (VCV003386856.1).
Genomic context (GRCh38, chr15:48,516,281, plus strand): 5'-GGTCGAGGGACCGGAATTTGAGGTCCAGGAGGAAAGCCAGGAGGAACAGGGAGAACTGGA[G>A]GAATGGGGCCAAGGGGTGGGGGAGGATATTCTGGTCTCCCAGGAATTACCATAGGAACAG-3'
Protein context (NP_000129.3, residues 400-420): EYPPPPLGPI[Pro410Leu]PVLPVPPGFP

ClinVar aggregate classification (germline): Uncertain significance (1 of 4 stars; one submission).

Conditions:
Marfan syndrome (MFS). Also called: MARFAN SYNDROME, TYPE I; Marfan syndrome type 1; Marfan's syndrome; FBN1-Related Marfan Syndrome; Marfan syndrome, classic. Identifiers: Orphanet 284963, Orphanet 558, MedGen C0024796, MONDO:0007947, OMIM 154700.

Submission:

All of Us Research Program, National Institutes of Health
Classification: Uncertain significance for Marfan syndrome. Last evaluated: 2024-07-29. Review status: criteria provided, single submitter. Criteria: ACMG Guidelines, 2015. Collection method: clinical testing. Allele origin: germline. Inheritance: Autosomal dominant inheritance. Observed: 1 variant allele, 1 heterozygote.
Comment: This missense variant replaces proline with leucine at codon 410 of the FBN1 protein. Computational prediction suggests that this variant may not impact protein structure and function (internally defined REVEL score threshold <= 0.5, PMID: 27666373). To our knowledge, functional studies have not been reported for this variant. This variant has not been reported in individuals affected with FBN1-related disorders in the literature. This variant has not been identified in the general population by the Genome Aggregation Database (gnomAD). The available evidence is insufficient to determine the role of this variant in disease conclusively. Therefore, this variant is classified as a Variant of Uncertain Significance.

This study involves interpretation of variants in research participants for the purpose of population health screening. Participant phenotype was not available at the time of variant classification. Additional details can be found in publication PMID: 35346344, PMCID: PMC8962531